The following is an entry in ClinVar:

ClinVar aggregate classification (germline): Uncertain significance (1 of 4 stars; one submission).

Allele frequency attached by ClinVar (database versions not stated): gnomAD exomes 0.00002 and 0.00003; ExAC 0.00003; TOPMed 0.00014; gnomAD 0.00015 and 0.00016.
gnomAD v4.1: 46 of 1,611,790 alleles (0.0029%); highest among the groups gnomAD compares: African/African-American, 0.033%; no homozygotes.

Submission:

Labcorp Genetics (formerly Invitae), Labcorp
Classification: Uncertain significance. Last evaluated: 2023-08-10. Review status: criteria provided, single submitter. Criteria: Invitae Variant Classification Sherloc (09022015). Collection method: clinical testing. Allele origin: germline.
Comment: Experimental studies and prediction algorithms are not available or were not evaluated, and the functional significance of this variant is currently unknown. This sequence change replaces serine, which is neutral and polar, with leucine, which is neutral and non-polar, at codon 1297 of the COL18A1 protein (p.Ser1297Leu). This variant is present in population databases (rs773020053, gnomAD 0.03%). This variant has not been reported in the literature in individuals affected with COL18A1-related conditions. ClinVar contains an entry for this variant (Variation ID: 1440768). In summary, the available evidence is currently insufficient to determine the role of this variant in disease. Therefore, it has been classified as a Variant of Uncertain Significance.

NM_001379500.1(COL18A1):c.3899C>T (p.Ser1300Leu)

Genes: COL18A1 (collagen type XVIII alpha 1 chain; plus strand), SLC19A1 (solute carrier family 19 member 1; minus strand). Cytogenetic location: 21q22.3.
Variant type: single nucleotide variant.
Coding change: c.3899C>T on transcript NM_001379500.1 (MANE Select); coding-DNA position 3899, C replaced by T.
Protein change: p.Ser1300Leu; replaces serine 1300 with leucine.
Molecular consequence: missense variant.
Genome position (GRCh38, 1-based): chr21:45,512,277, C>T. VCF-style: chr21-45512277-C-T. GRCh37 (hg19) VCF-style: chr21-46932191-C-T.
Other names: c.4430C>T, p.Ser1477Leu (NM_030582.4); c.5135C>T, p.Ser1712Leu (NM_130444.3); short protein forms S1477L, S1712L, S1300L.
Identifiers: ClinVar variation 1440768 (VCV001440768.4), dbSNP rs773020053, ClinGen allele CA10068126.